The following is an entry in ClinVar:

NM_000038.6(APC):c.428T>C (p.Leu143Ser)

Gene: APC (APC regulator of Wnt signaling pathway; plus strand). Cytogenetic location: 5q22.2.
Variant type: single nucleotide variant.
Coding change: c.428T>C on transcript NM_000038.6 (MANE Select); coding-DNA position 428, T replaced by C.
Protein change: p.Leu143Ser; replaces leucine 143 with serine.
Molecular consequence: missense variant. On other transcripts: 5 prime UTR variant (4), non-coding transcript variant (2).
Genome position (GRCh38, 1-based): chr5:112,775,634, T>C. VCF-style: chr5-112775634-T-C. GRCh37 (hg19) VCF-style: chr5-112111331-T-C.
Other names: c.428T>C, p.Leu143Ser (NM_001127510.3, NM_001354895.2, NM_001354896.2 and 16 more transcripts); c.458T>C, p.Leu153Ser (NM_001127511.3, NM_001354897.2, NM_001354902.2 and 1 more transcripts); c.353T>C, p.Leu118Ser (NM_001354898.2, NM_001354904.2, NM_001407451.1); c.251T>C, p.Leu84Ser (NM_001354900.2, NM_001354901.2, NM_001354905.2 and 1 more transcripts); c.-608T>C (NM_001354906.2, NM_001407470.1, NM_001407471.1 and 1 more transcripts); short protein forms L118S, L143S, L153S, L84S.
Identifiers: ClinVar variation 2964762 (VCV002964762.3), dbSNP rs2149614450, ClinGen allele CA16022258.

ClinVar aggregate classification (germline): Uncertain significance (1 of 4 stars; one submission).

Conditions:
Familial adenomatous polyposis 1 (FAP1). Also called: FAMILIAL ADENOMATOUS POLYPOSIS 1, ATTENUATED; POLYPOSIS, ADENOMATOUS INTESTINAL. Identifiers: MedGen C2713442, MONDO:0021056, OMIM 175100. Disease mechanism: loss of function.

Submission:

Labcorp Genetics (formerly Invitae), Labcorp
Classification: Uncertain significance for Familial adenomatous polyposis 1. Last evaluated: 2023-09-30. Review status: criteria provided, single submitter. Criteria: Invitae Variant Classification Sherloc (09022015). Collection method: clinical testing. Allele origin: germline.
Comment: This sequence change replaces leucine, which is neutral and non-polar, with serine, which is neutral and polar, at codon 143 of the APC protein (p.Leu143Ser). This variant is not present in population databases (gnomAD no frequency). This variant has not been reported in the literature in individuals affected with APC-related conditions. Advanced modeling of protein sequence and biophysical properties (such as structural, functional, and spatial information, amino acid conservation, physicochemical variation, residue mobility, and thermodynamic stability) performed at Invitae indicates that this missense variant is not expected to disrupt APC protein function. In summary, the available evidence is currently insufficient to determine the role of this variant in disease. Therefore, it has been classified as a Variant of Uncertain Significance.